The following is an entry in ClinVar:

ClinVar aggregate classification (germline): Likely benign. Review status: criteria provided, multiple submitters, no conflicts (2 of 4 stars). 2 submissions from 2 submitters: Likely benign (2). Last evaluated 2026-07-01.

Allele frequency attached by ClinVar (database versions not stated): TOPMed 0.00003; gnomAD exomes 0.00005 and 0.00011; ExAC 0.00010.
gnomAD v4.1: 26 of 1,581,798 alleles (0.0016%); highest among the groups gnomAD compares: Admixed American, 0.046%; no homozygotes.

Submissions (2):

CeGaT Center for Human Genetics Tuebingen
Classification: Likely benign. Last evaluated: 2026-07-01. Review status: criteria provided, single submitter. Criteria: CeGaT Center For Human Genetics Tuebingen Variant Classification Criteria Version 2. Collection method: clinical testing. Allele origin: germline. Affected: yes. Observed: 1 variant allele.
Comment: BRPF1: BP4, BP7

Labcorp Genetics (formerly Invitae), Labcorp
Classification: Likely benign. Last evaluated: 2019-12-31. Review status: criteria provided, single submitter. Criteria: Invitae Variant Classification Sherloc (09022015). Collection method: clinical testing. Allele origin: germline.

NM_001003694.2(BRPF1):c.621G>A (p.Glu207=)

Gene: BRPF1 (bromodomain and PHD finger containing 1; plus strand). Cytogenetic location: 3p25.3.
Variant type: single nucleotide variant.
Coding change: c.621G>A on transcript NM_001003694.2 (MANE Select); coding-DNA position 621, G replaced by A.
Protein change: p.Glu207=; no amino-acid change (glutamic acid 207 retained).
Molecular consequence: synonymous variant. On other transcripts: non-coding transcript variant (1).
Genome position (GRCh38, 1-based): chr3:9,739,020, G>A. VCF-style: chr3-9739020-G-A. GRCh37 (hg19) VCF-style: chr3-9780704-G-A.
Other names: c.621G>A, p.Glu207= (NM_001319049.2, NM_001319050.2, NM_004634.3).
Identifiers: ClinVar variation 771345 (VCV000771345.5), dbSNP rs763209968, ClinGen allele CA2241753.